The following is an entry in ClinVar:

ClinVar aggregate classification (germline): Uncertain significance (1 of 4 stars; one submission).

Submission:

Labcorp Genetics (formerly Invitae), Labcorp
Classification: Uncertain significance. Last evaluated: 2025-01-20. Review status: criteria provided, single submitter. Criteria: Invitae Variant Classification Sherloc (09022015). Collection method: clinical testing. Allele origin: germline.
Comment: This sequence change replaces lysine, which is basic and polar, with arginine, which is basic and polar, at codon 145 of the ROM1 protein (p.Lys145Arg). This variant is not present in population databases (gnomAD no frequency). This variant has not been reported in the literature in individuals affected with ROM1-related conditions. ClinVar contains an entry for this variant (Variation ID: 1721047). Invitae Evidence Modeling of protein sequence and biophysical properties (such as structural, functional, and spatial information, amino acid conservation, physicochemical variation, residue mobility, and thermodynamic stability) indicates that this missense variant is not expected to disrupt ROM1 protein function with a negative predictive value of 80%. Algorithms developed to predict the effect of sequence changes on RNA splicing suggest that this variant may create or strengthen a splice site. In summary, the available evidence is currently insufficient to determine the role of this variant in disease. Therefore, it has been classified as a Variant of Uncertain Significance.

NM_000327.4(ROM1):c.434A>G (p.Lys145Arg)

Gene: ROM1 (retinal outer segment membrane protein 1; plus strand). Cytogenetic location: 11q12.3.
Variant type: single nucleotide variant.
Coding change: c.434A>G on transcript NM_000327.4 (MANE Select); coding-DNA position 434, A replaced by G.
Protein change: p.Lys145Arg; replaces lysine 145 with arginine.
Molecular consequence: missense variant.
Genome position (GRCh38, 1-based): chr11:62,613,715, A>G. VCF-style: chr11-62613715-A-G. GRCh37 (hg19) VCF-style: chr11-62381187-A-G.
Other names: short protein forms K145R.
Identifiers: ClinVar variation 1721047 (VCV001721047.5), dbSNP rs2496222865, ClinGen allele CA380969779.